The following is an entry in ClinVar:

NM_014671.3(UBE3C):c.3171C>T (p.Leu1057=)

Gene: UBE3C (ubiquitin protein ligase E3C; plus strand). Cytogenetic location: 7q36.3.
Variant type: single nucleotide variant.
Coding change: c.3171C>T on transcript NM_014671.3 (MANE Select); coding-DNA position 3171, C replaced by T.
Protein change: p.Leu1057=; no amino-acid change (leucine 1057 retained).
Molecular consequence: synonymous variant.
Genome position (GRCh38, 1-based): chr7:157,267,674, C>T. VCF-style: chr7-157267674-C-T. GRCh37 (hg19) VCF-style: chr7-157060368-C-T.
Identifiers: ClinVar variation 4874517 (VCV004874517.2).

ClinVar aggregate classification (germline): Likely benign (1 of 4 stars; one submission).

gnomAD v4.1: 19 of 1,613,640 alleles (0.0012%); highest among the groups gnomAD compares: Admixed American, 0.023%; no homozygotes.

Submission:

CeGaT Center for Human Genetics Tuebingen
Classification: Likely benign. Last evaluated: 2026-05-01. Review status: criteria provided, single submitter. Criteria: CeGaT Center For Human Genetics Tuebingen Variant Classification Criteria Version 2. Collection method: clinical testing. Allele origin: germline. Affected: yes. Observed: 1 variant allele.
Comment: UBE3C: BP4, BP7